The following is an entry in ClinVar:

NM_000045.4(ARG1):c.543C>T (p.Asp181=)

Genes: MED23 (mediator complex subunit 23; minus strand), ARG1 (arginase 1; plus strand). Cytogenetic location: 6q23.2.
Variant type: single nucleotide variant.
Coding change: c.543C>T on transcript NM_000045.4 (MANE Select); coding-DNA position 543, C replaced by T.
Protein change: p.Asp181=; no amino-acid change (aspartic acid 181 retained).
Molecular consequence: synonymous variant. On other transcripts: non-coding transcript variant (1), intron variant (3).
Genome position (GRCh38, 1-based): chr6:131,582,698, C>T. VCF-style: chr6-131582698-C-T. GRCh37 (hg19) VCF-style: chr6-131903838-C-T.
Other names: c.567C>T, p.Asp189= (NM_001244438.2); c.306-362C>T (NM_001369020.1); c.4077+5011G>A (NM_001270521.2); c.4095+5011G>A (NM_015979.4).
Identifiers: ClinVar variation 517951 (VCV000517951.12), dbSNP rs745787043, ClinGen allele CA3999291.
Genomic context (GRCh38, chr6:131,582,698, plus strand): 5'-ATTCTCCTGGGTGACTCCCTGTATATCTGCCAAGGATATTGTGTATATTGGCTTGAGAGA[C>T]GTGGACCCTGGGGAACAGTAAGCTTATTCCTTGATGTGATTTGCCTCCATTTTTGTCCCT-3'
Protein context (NP_000036.2, residues 171-191): AKDIVYIGLR[Asp181=]VDPGEHYILK

ClinVar aggregate classification (germline): Likely benign. Review status: criteria provided, multiple submitters, no conflicts (2 of 4 stars). 2 submissions from 2 submitters: Likely benign (2). Last evaluated 2024-02-02.

Conditions:
Arginase deficiency. Also called: ARGININEMIA; ARG1 DEFICIENCY; Arginase 1 Deficiency. Identifiers: Orphanet 90, MedGen C0268548, MONDO:0008814, OMIM 207800.

Allele frequency attached by ClinVar (database versions not stated): gnomAD 0.00001; gnomAD exomes 0.00001; ExAC 0.00002; TOPMed 0.00002.
gnomAD v4.1: 16 of 1,613,546 alleles (0.00099%); highest among the groups gnomAD compares: Middle Eastern, 0.033%; no homozygotes.

Submissions (2):

Labcorp Genetics (formerly Invitae), Labcorp
Classification: Likely benign for Arginase deficiency. Last evaluated: 2024-02-02. Review status: criteria provided, single submitter. Criteria: Invitae Variant Classification Sherloc (09022015). Collection method: clinical testing. Allele origin: germline.

GeneDx
Classification: Likely benign. Last evaluated: 2017-06-20. Review status: criteria provided, single submitter. Criteria: GeneDx Variant Classification (06012015). Collection method: clinical testing. Allele origin: germline. Affected: yes.
Comment: This variant is considered likely benign or benign based on one or more of the following criteria: it is a conservative change, it occurs at a poorly conserved position in the protein, it is predicted to be benign by multiple in silico algorithms, and/or has population frequency not consistent with disease.